The following is an entry in ClinVar:

ClinVar aggregate classification (germline): Uncertain significance (1 of 4 stars; one submission).

Conditions:
Myopathy, proximal, and ophthalmoplegia (CMYO6). Also called: CONGENITAL MYOPATHY 6 WITH OPHTHALMOPLEGIA; MYOPATHY WITH CONGENITAL JOINT CONTRACTURES, OPHTHALMOPLEGIA, AND RIMMED VACUOLES; INCLUSION BODY MYOPATHY 3, AUTOSOMAL DOMINANT. Identifiers: Orphanet 363677, Orphanet 79091, MedGen C1854106, MONDO:0011577, OMIM 605637.

Submission:

Labcorp Genetics (formerly Invitae), Labcorp
Classification: Uncertain significance for Myopathy, proximal, and ophthalmoplegia. Last evaluated: 2024-05-06. Review status: criteria provided, single submitter. Criteria: Invitae Variant Classification Sherloc (09022015). Collection method: clinical testing. Allele origin: germline.
Comment: This sequence change replaces cysteine, which is neutral and slightly polar, with tyrosine, which is neutral and polar, at codon 1255 of the MYH2 protein (p.Cys1255Tyr). This variant is not present in population databases (gnomAD no frequency). This variant has not been reported in the literature in individuals affected with MYH2-related conditions. Advanced modeling of protein sequence and biophysical properties (such as structural, functional, and spatial information, amino acid conservation, physicochemical variation, residue mobility, and thermodynamic stability) performed at Invitae indicates that this missense variant is not expected to disrupt MYH2 protein function with a negative predictive value of 80%. In summary, the available evidence is currently insufficient to determine the role of this variant in disease. Therefore, it has been classified as a Variant of Uncertain Significance.

NM_017534.6(MYH2):c.3764G>A (p.Cys1255Tyr)

Genes: MYHAS (myosin heavy chain gene cluster antisense RNA; plus strand), MYH2 (myosin heavy chain 2; minus strand). Cytogenetic location: 17p13.1.
Variant type: single nucleotide variant.
Coding change: c.3764G>A on transcript NM_017534.6 (MANE Select); coding-DNA position 3764, G replaced by A.
Protein change: p.Cys1255Tyr; replaces cysteine 1255 with tyrosine.
Molecular consequence: missense variant.
Genome position (GRCh38, 1-based): chr17:10,527,855, C>T on the plus strand (G>A on the coding strand, the complement: MYH2 is on the minus strand). VCF-style: chr17-10527855-C-T. GRCh37 (hg19) VCF-style: chr17-10431172-C-T.
Other names: c.3764G>A, p.Cys1255Tyr (NM_001100112.2); short protein forms C1255Y.
Identifiers: ClinVar variation 3692394 (VCV003692394.2).